The following is an entry in ClinVar:

ClinVar aggregate classification (germline): Uncertain significance (1 of 4 stars; one submission).

Conditions:
Genitopatellar syndrome (GTPTS). Also called: ABSENT PATELLAE, SCROTAL HYPOPLASIA, RENAL ANOMALIES, FACIAL DYSMORPHISM, AND MENTAL RETARDATION; Genitopatellar syndrome (GPS). Identifiers: Orphanet 85201, MedGen C1853566, MONDO:0011640, OMIM 606170.

Submission:

Labcorp Genetics (formerly Invitae), Labcorp
Classification: Uncertain significance for Genitopatellar syndrome. Last evaluated: 2023-12-28. Review status: criteria provided, single submitter. Criteria: Invitae Variant Classification Sherloc (09022015). Collection method: clinical testing. Allele origin: germline.
Comment: This sequence change replaces valine, which is neutral and non-polar, with threonine, which is neutral and polar, at codon 1499 of the KAT6B protein (p.Val1499Thr). The frequency data for this variant in the population databases is considered unreliable, as metrics indicate poor data quality at this position in the gnomAD database. This variant has not been reported in the literature in individuals affected with KAT6B-related conditions. An algorithm developed to predict the effect of missense changes on protein structure and function (PolyPhen-2) suggests that this variant is likely to be tolerated. In summary, the available evidence is currently insufficient to determine the role of this variant in disease. Therefore, it has been classified as a Variant of Uncertain Significance.

NM_012330.4(KAT6B):c.4495_4496inv (p.Val1499Thr)

Gene: KAT6B (lysine acetyltransferase 6B; plus strand). Cytogenetic location: 10q22.2.
Variant type: Inversion.
Coding change: c.4495_4496inv on transcript NM_012330.4 (MANE Select).
Protein change: p.Val1499Thr; replaces valine 1499 with threonine.
Molecular consequence: missense variant.
Genome position: GRCh38 VCF-style: chr10-75029319-GT-AC. GRCh37 (hg19) VCF-style: chr10-76789077-GT-AC.
Other names: c.3946_3947inv, p.Val1316Thr (NM_001256468.2, NM_001370138.1); c.3619_3620inv, p.Val1207Thr (NM_001256469.2, NM_001370139.1, NM_001370140.1 and 2 more transcripts); c.3457_3458inv, p.Val1153Thr (NM_001370132.1); c.2806_2807inv, p.Val936Thr (NM_001370133.1); c.2410_2411inv, p.Val804Thr (NM_001370134.1); c.2152_2153inv, p.Val718Thr (NM_001370135.1); c.4495_4496inv, p.Val1499Thr (NM_001370136.1, NM_001370137.1); c.3430_3431inv, p.Val1144Thr (NM_001370143.1, NM_001370144.1); short protein forms V1153T, V718T, V1144T, V804T, V1207T, V1316T, V936T, V1499T.
Identifiers: ClinVar variation 2970912 (VCV002970912.3), ClinGen allele CA2740093035.